The following is an entry in ClinVar:

ClinVar aggregate classification (germline): Likely pathogenic (1 of 4 stars; one submission).

gnomAD v4.1: 1 of 1,614,020 alleles (0.000062%); highest among the groups gnomAD compares: East Asian, 0.0022%; no homozygotes.

Submission:

Labcorp Genetics (formerly Invitae), Labcorp
Classification: Likely pathogenic. Last evaluated: 2023-09-05. Review status: criteria provided, single submitter. Criteria: Invitae Variant Classification Sherloc (09022015). Collection method: clinical testing. Allele origin: germline.
Comment: In summary, the currently available evidence indicates that the variant is pathogenic, but additional data are needed to prove that conclusively. Therefore, this variant has been classified as Likely Pathogenic. Algorithms developed to predict the effect of sequence changes on RNA splicing suggest that this variant may disrupt the consensus splice site. This variant has not been reported in the literature in individuals affected with PCNT-related conditions. This variant is not present in population databases (gnomAD no frequency). This sequence change affects an acceptor splice site in intron 41 of the PCNT gene. It is expected to disrupt RNA splicing. Variants that disrupt the donor or acceptor splice site typically lead to a loss of protein function (PMID: 16199547), and loss-of-function variants in PCNT are known to be pathogenic (PMID: 18174396, 22821869).

Literature cited by the submitters: PubMed 16199547; PubMed 18174396; PubMed 22821869.

NM_006031.6(PCNT):c.9274-2A>G

Gene: PCNT (pericentrin; plus strand). Cytogenetic location: 21q22.3.
Variant type: single nucleotide variant.
Coding change: c.9274-2A>G on transcript NM_006031.6 (MANE Select); the canonical splice acceptor site of the intron before coding-DNA position 9274, A replaced by G.
Molecular consequence: splice acceptor variant.
Genome position (GRCh38, 1-based): chr21:46,440,081, A>G. VCF-style: chr21-46440081-A-G. GRCh37 (hg19) VCF-style: chr21-47859994-A-G.
Other names: c.8683-2A>G (NM_001315529.2).
Identifiers: ClinVar variation 2843989 (VCV002843989.3), dbSNP rs1396439708, ClinGen allele CA410577168.
Genomic context (GRCh38, chr21:46,440,081, plus strand): 5'-TCTCTAAGATGCTCTTGTTGACGAGCAGCTCTGTAGACAGCGCTGGCTGTGCTTCCTTAC[A>G]GAGGTCGGAAAGGTCTGCTTGGAAGCCAGACGAAACGGCTCCACAGAGTTCCCTGAGGCG-3'